The following is an entry in ClinVar:

ClinVar aggregate classification (germline): Uncertain significance (1 of 4 stars; one submission).

gnomAD v4.1: 1 of 1,613,976 alleles (0.000062%); highest among the groups gnomAD compares: East Asian, 0.0022%; no homozygotes.

Submission:

Labcorp Genetics (formerly Invitae), Labcorp
Classification: Uncertain significance. Last evaluated: 2024-12-15. Review status: criteria provided, single submitter. Criteria: Invitae Variant Classification Sherloc (09022015). Collection method: clinical testing. Allele origin: germline.
Comment: This sequence change replaces proline, which is neutral and non-polar, with arginine, which is basic and polar, at codon 2109 of the COL7A1 protein (p.Pro2109Arg). This variant is not present in population databases (gnomAD no frequency). This variant has not been reported in the literature in individuals affected with COL7A1-related conditions. Invitae Evidence Modeling of protein sequence and biophysical properties (such as structural, functional, and spatial information, amino acid conservation, physicochemical variation, residue mobility, and thermodynamic stability) has been performed for this missense variant. However, the output from this modeling did not meet the statistical confidence thresholds required to predict the impact of this variant on COL7A1 protein function. In summary, the available evidence is currently insufficient to determine the role of this variant in disease. Therefore, it has been classified as a Variant of Uncertain Significance.

NM_000094.4(COL7A1):c.6326C>G (p.Pro2109Arg)

Gene: COL7A1 (collagen type VII alpha 1 chain; minus strand). Cytogenetic location: 3p21.31.
Variant type: single nucleotide variant.
Coding change: c.6326C>G on transcript NM_000094.4 (MANE Select); coding-DNA position 6326, C replaced by G.
Protein change: p.Pro2109Arg; replaces proline 2109 with arginine.
Molecular consequence: missense variant.
Genome position (GRCh38, 1-based): chr3:48,574,819, G>C on the plus strand (C>G on the coding strand, the complement: COL7A1 is on the minus strand). VCF-style: chr3-48574819-G-C. GRCh37 (hg19) VCF-style: chr3-48612252-G-C.
Other names: short protein forms P2109R.
Identifiers: ClinVar variation 3630347 (VCV003630347.2).
Genomic context (GRCh38, chr3:48,574,819, plus strand): 5'-TGGCAGAGGGTGGCCCCGAGCTGATTCCACACACTGACCTTAGCACCCTTGAGTCCAGGG[G>C]GTCCCTGTTCTCCAGAGAGTCCAGGACCTGGCTCATCCACAGACACCTACAAACACAAGG-3'
Protein context (NP_000085.1, residues 2099-2119): PGPGLSGEQG[Pro2109Arg]PGLKGAKGEP